The following is an entry in ClinVar:

NM_006005.3(WFS1):c.817G>T (p.Glu273Ter)

Gene: WFS1 (wolframin ER transmembrane glycoprotein; plus strand). Cytogenetic location: 4p16.1.
Variant type: single nucleotide variant.
Coding change: c.817G>T on transcript NM_006005.3 (MANE Select); coding-DNA position 817, G replaced by T.
Protein change: p.Glu273Ter; replaces glutamic acid 273 with a stop codon.
Molecular consequence: nonsense.
Genome position (GRCh38, 1-based): chr4:6,295,145, G>T. VCF-style: chr4-6295145-G-T. GRCh37 (hg19) VCF-style: chr4-6296872-G-T.
Other names: c.817G>T, p.Glu273Ter (NM_001145853.1); short protein forms E273*.
Identifiers: ClinVar variation 918066 (VCV000918066.10), dbSNP rs142428158, ClinGen allele CA2839068.

ClinVar aggregate classification (germline): Pathogenic. Review status: criteria provided, multiple submitters, no conflicts (2 of 4 stars). 5 submissions from 5 submitters: Pathogenic (3). 2 of the submissions do not count toward it. Last evaluated 2026-02-01.

Conditions:
WFS1-related disorder. Identifiers: MedGen CN379391, MONDO:0700293.
Wolfram-like syndrome. Also called: HEARING LOSS, PROGRESSIVE, WITH OPTIC ATROPHY AND/OR IMPAIRED GLUCOSE REGULATION. Identifiers: Orphanet 411590, MedGen C3280358, MONDO:0013673, OMIM 614296.
Cataract 41 (CTRCT41). Also called: CATARACT 41, CONGENITAL NUCLEAR TYPE. Identifiers: Orphanet 91492, Orphanet 98991, Orphanet 98992, Orphanet 98995, MedGen C3805412, MONDO:0007287, OMIM 116400.
Autosomal dominant nonsyndromic hearing loss 6 (LFSNHL). Also called: Autosomal dominant nonsyndromic deafness 6; DEAFNESS, AUTOSOMAL DOMINANT 14; DEAFNESS, AUTOSOMAL DOMINANT 38; DEAFNESS, AUTOSOMAL DOMINANT 6. Identifiers: Orphanet 90635, MedGen C1833021, MONDO:0010963, OMIM 600965.
Type 2 diabetes mellitus. Also called: Type II diabetes mellitus. Identifiers: MedGen C0011860, MeSH D003924, MONDO:0005148, OMIM 125853, HP:0005978.
Wolfram syndrome 1 (WFS1). Identifiers: Orphanet 3463, MedGen C4551693, MONDO:0009101, OMIM 222300.
Diabetes mellitus. Also called: Diabetes mellitus (disease). Identifiers: MedGen C0011849, MONDO:0005015, HP:0000819.

Submissions (5):

Labcorp Genetics (formerly Invitae), Labcorp
Classification: Pathogenic. Last evaluated: 2026-02-01. Review status: criteria provided, single submitter. Criteria: Invitae Variant Classification Sherloc (09022015). Collection method: clinical testing. Allele origin: germline.
Comment: This sequence change creates a premature translational stop signal (p.Glu273*) in the WFS1 gene. While this is not anticipated to result in nonsense mediated decay, it is expected to disrupt the last 618 amino acid(s) of the WFS1 protein. This variant is present in population databases (rs142428158, gnomAD 0.002%). This premature translational stop signal has been observed in individual(s) with Wolfram syndrome (PMID: 10521293, 23981289). ClinVar contains an entry for this variant (Variation ID: 918066). For these reasons, this variant has been classified as Pathogenic.

Blueprint Genetics
Classification: Pathogenic for WFS1-related disorders. Last evaluated: 2023-07-06. Review status: criteria provided, single submitter. Criteria: ACMG Guidelines, 2015. Collection method: clinical testing. Allele origin: germline. Affected: yes. Observed: 4 variant alleles.

Fulgent Genetics
Classification: Pathogenic for Cataract 41; Type 2 diabetes mellitus; Wolfram syndrome 1; Autosomal dominant nonsyndromic hearing loss 6; Wolfram-like syndrome. Last evaluated: 2021-10-08. Review status: criteria provided, single submitter. Criteria: ACMG Guidelines, 2015. Collection method: clinical testing. Allele origin: unknown.

PreventionGenetics, part of Exact Sciences
Classification: Pathogenic for WFS1-related condition. Last evaluated: 2024-09-12. Review status: no assertion criteria provided. Collection method: clinical testing. Allele origin: germline. Not counted in ClinVar's aggregate classification.
Comment: The WFS1 c.817G>T variant is predicted to result in premature protein termination (p.Glu273*). This variant has been reported as pathogenic in three patients with autosomal recessive Wolfram syndrome (Hardy et al. 1999. PubMed ID: 10521293; Marshall et al. 2013. PubMed ID: 23981289) and has also been reported in the heterozygous state in a patient with type 1 diabetes (Marchand et al. 2021. PubMed ID: 33538814). This variant is reported in 0.0018% of alleles in individuals of European (Non-Finnish) descent in gnomAD. Nonsense variants in WFS1 are expected to be pathogenic. This variant is interpreted as pathogenic.

Constantin Polychronakos Laboratory, The Research Institute of the McGill University Health Centre
Classification: Pathogenic for Diabetes mellitus. Review status: no assertion criteria provided. Collection method: research. Allele origin: maternal. Inheritance: Autosomal recessive inheritance. Affected: yes. Study: T1DGC. Not counted in ClinVar's aggregate classification.
Comment: PVS1 PS1 PM2 PP3

Literature cited by the submitters: PubMed 10521293 (cited by Labcorp Genetics (formerly Invitae), Labcorp); PubMed 23981289 (cited by Labcorp Genetics (formerly Invitae), Labcorp).